The following is an entry in ClinVar:

ClinVar aggregate classification (germline): Uncertain significance (1 of 4 stars; one submission).

Submission:

Labcorp Genetics (formerly Invitae), Labcorp
Classification: Uncertain significance. Last evaluated: 2022-06-27. Review status: criteria provided, single submitter. Criteria: Invitae Variant Classification Sherloc (09022015). Collection method: clinical testing. Allele origin: germline.
Comment: This sequence change replaces arginine, which is basic and polar, with glycine, which is neutral and non-polar, at codon 101 of the IHH protein (p.Arg101Gly). This variant is not present in population databases (gnomAD no frequency). This variant has not been reported in the literature in individuals affected with IHH-related conditions. Algorithms developed to predict the effect of missense changes on protein structure and function are either unavailable or do not agree on the potential impact of this missense change (SIFT: "Tolerated"; PolyPhen-2: "Probably Damaging"; Align-GVGD: "Class C0"). In summary, the available evidence is currently insufficient to determine the role of this variant in disease. Therefore, it has been classified as a Variant of Uncertain Significance.

NM_002181.4(IHH):c.301C>G (p.Arg101Gly)

Gene: IHH (Indian hedgehog signaling molecule; minus strand). Cytogenetic location: 2q35.
Variant type: single nucleotide variant.
Coding change: c.301C>G on transcript NM_002181.4 (MANE Select); coding-DNA position 301, C replaced by G.
Protein change: p.Arg101Gly; replaces arginine 101 with glycine.
Molecular consequence: missense variant.
Genome position (GRCh38, 1-based): chr2:219,060,167, G>C on the plus strand (C>G on the coding strand, the complement: IHH is on the minus strand). VCF-style: chr2-219060167-G-C. GRCh37 (hg19) VCF-style: chr2-219924889-G-C.
Other names: short protein forms R101G.
Identifiers: ClinVar variation 1352376 (VCV001352376.8), dbSNP rs1379301732, ClinGen allele CA350636642.
Genomic context (GRCh38, chr2:219,060,167, plus strand): 5'-GGCCGTGCTTCGGTGGCGGCGCGCTGGTAGGGCGGATCGCGCTCACCTGGGTCATGAGGC[G>C]GTCGGCGCCTGTGTTCTCCTCGTCCTTGAAGATGATGTCTGGATTGTAATTGGGGGTGAG-3'
Protein context (NP_002172.2, residues 91-111): FKDEENTGAD[Arg101Gly]LMTQRCKDRL